The following is an entry in ClinVar:

ClinVar aggregate classification (germline): Conflicting classifications of pathogenicity. Review status: criteria provided, conflicting classifications (1 of 4 stars). 3 submissions from 2 submitters: Uncertain significance (1); Benign (2). Last evaluated 2021-05-31.

Conditions:
Fumarase deficiency (FMRD). Also called: Fumarate Hydratase Deficiency; Fumaric aciduria. Identifiers: Orphanet 24, MedGen C0342770, MONDO:0011730, OMIM 606812.
Hereditary cancer-predisposing syndrome. Also called: Tumor predisposition; Neoplastic Syndromes, Hereditary; Hereditary Cancer Syndrome; Hereditary neoplastic syndrome. Identifiers: Orphanet 140162, MedGen C0027672, MeSH D009386, MONDO:0015356.
Hereditary leiomyomatosis and renal cell cancer. Also called: MULTIPLE CUTANEOUS AND UTERINE LEIOMYOMATA 1, WITH OR WITHOUT RENAL CELL CARCINOMA; Reed syndrome; Multiple cutaneous and uterine leiomyomatosis; Cutaneous leiomyomata with uterine leiomyomata; Leiomyoma, hereditary multiple, of skin; Multiple cutaneous and uterine leiomyomata. Identifiers: Orphanet 523, MedGen C1708350, MONDO:0007888, OMIM 150800, HP:0007437. Disease mechanism: loss of function.

Allele frequency attached by ClinVar (database versions not stated): TOPMed 0.00058; 1000 Genomes Project 30x 0.00203; 1000 Genomes Project 0.00160.

Submissions (3):

Sema4
Classification: Benign for Hereditary cancer-predisposing syndrome. Last evaluated: 2021-05-31. Review status: criteria provided, single submitter. Criteria: Sema4 Curation Guidelines. Collection method: curation. Allele origin: germline.

Illumina Laboratory Services, Illumina
Classification: Uncertain significance for Fumarase deficiency. Last evaluated: 2018-01-13. Review status: criteria provided, single submitter. Criteria: ICSL Variant Classification Criteria 13 December 2019. Collection method: clinical testing. Allele origin: germline.

Illumina Laboratory Services, Illumina
Classification: Benign for Hereditary leiomyomatosis and renal cell cancer. Last evaluated: 2018-01-13. Review status: criteria provided, single submitter. Criteria: ICSL Variant Classification Criteria 13 December 2019. Collection method: clinical testing. Allele origin: germline.
Comment: This variant was observed in the ICSL laboratory as part of a predisposition screen in an ostensibly healthy population. It had not been previously curated by ICSL or reported in the Human Gene Mutation Database (HGMD: prior to June 1st, 2018), and was therefore a candidate for classification through an automated scoring system. Utilizing variant allele frequency, disease prevalence and penetrance estimates, and inheritance mode, an automated score was calculated to assess if this variant is too frequent to cause the disease. Based on the score and internal cut-off values, a variant classified as benign is not then subjected to further curation. The score for this variant resulted in a classification of benign for this disease.

NM_000143.3(FH):c.-57C>G

Gene: FH (fumarate hydratase; minus strand). Cytogenetic location: 1q43.
Variant type: single nucleotide variant.
Coding change: c.-57C>G on transcript NM_000143.3; 57 bases upstream of the start codon, C replaced by G.
Genome position (GRCh38, 1-based): chr1:241,519,779, G>C on the plus strand (C>G on the coding strand, the complement: FH is on the minus strand). VCF-style: chr1-241519779-G-C. GRCh37 (hg19) VCF-style: chr1-241683079-G-C.
Identifiers: ClinVar variation 875347 (VCV000875347.6), dbSNP rs201589544, ClinGen allele CA40338270.